The following is an entry in ClinVar:

ClinVar aggregate classification (germline): Uncertain significance. Review status: criteria provided, multiple submitters, no conflicts (2 of 4 stars). 3 submissions from 3 submitters: Uncertain significance (3). Last evaluated 2023-06-24.

Conditions:
Hereditary cancer-predisposing syndrome. Also called: Neoplastic Syndromes, Hereditary; Tumor predisposition; Hereditary Cancer Syndrome; Hereditary neoplastic syndrome. Identifiers: Orphanet 140162, MedGen C0027672, MeSH D009386, MONDO:0015356.
Breast-ovarian cancer, familial, susceptibility to, 4. Identifiers: Orphanet 145, MedGen C3280345, MONDO:0013669, OMIM 614291.

Allele frequency attached by ClinVar (database versions not stated): TOPMed 0.00001.
gnomAD v4.1: 1 of 1,611,184 alleles (0.000062%); highest among the groups gnomAD compares: Admixed American, 0.0017%; no homozygotes.

Submissions (3):

Ambry Genetics
Classification: Uncertain significance for Hereditary cancer-predisposing syndrome. Last evaluated: 2023-06-24. Review status: criteria provided, single submitter. Criteria: Ambry Variant Classification Scheme 2023. Collection method: clinical testing. Allele origin: germline.
Comment: The p.G2D variant (also known as c.5G>A), located in coding exon 1 of the RAD51D gene, results from a G to A substitution at nucleotide position 5. The glycine at codon 2 is replaced by aspartic acid, an amino acid with similar properties. This amino acid position is well conserved in available vertebrate species. In addition, this alteration is predicted to be tolerated by in silico analysis. Since supporting evidence is limited at this time, the clinical significance of this alteration remains unclear.

Labcorp Genetics (formerly Invitae), Labcorp
Classification: Uncertain significance for Breast-ovarian cancer, familial, susceptibility to, 4. Last evaluated: 2022-09-04. Review status: criteria provided, single submitter. Criteria: Invitae Variant Classification Sherloc (09022015). Collection method: clinical testing. Allele origin: germline.
Comment: Algorithms developed to predict the effect of missense changes on protein structure and function are either unavailable or do not agree on the potential impact of this missense change (SIFT: "Tolerated"; PolyPhen-2: "Possibly Damaging"; Align-GVGD: "Class C0"). In summary, the available evidence is currently insufficient to determine the role of this variant in disease. Therefore, it has been classified as a Variant of Uncertain Significance. ClinVar contains an entry for this variant (Variation ID: 472614). This variant has not been reported in the literature in individuals affected with RAD51D-related conditions. This variant is not present in population databases (gnomAD no frequency). This sequence change replaces glycine, which is neutral and non-polar, with aspartic acid, which is acidic and polar, at codon 2 of the RAD51D protein (p.Gly2Asp).

Laboratorio de Genetica e Diagnostico Molecular, Hospital Israelita Albert Einstein
Classification: Uncertain significance for Breast-ovarian cancer, familial, susceptibility to, 4. Last evaluated: 2022-07-06. Review status: criteria provided, single submitter. Criteria: ACMG Guidelines, 2015. Collection method: clinical testing. Allele origin: germline. Affected: yes. Observed: 1 variant allele.
Comment: ACMG classification criteria: PM2 moderated, BP4 supporting

NM_002878.4(RAD51D):c.5G>A (p.Gly2Asp)

Genes: RAD51D (RAD51 paralog D; minus strand), RAD51L3-RFFL (RAD51L3-RFFL readthrough; minus strand). Cytogenetic location: 17q12.
Variant type: single nucleotide variant.
Coding change: c.5G>A on transcript NM_002878.4 (MANE Select); coding-DNA position 5, G replaced by A.
Protein change: p.Gly2Asp; replaces glycine 2 with aspartic acid.
Molecular consequence: missense variant. On other transcripts: non-coding transcript variant (2).
Genome position (GRCh38, 1-based): chr17:35,119,609, C>T on the plus strand (G>A on the coding strand, the complement: RAD51D is on the minus strand). VCF-style: chr17-35119609-C-T. GRCh37 (hg19) VCF-style: chr17-33446628-C-T.
Other names: c.5G>A, p.Gly2Asp (NM_001142571.2, NM_133629.3); short protein forms G2D.
Identifiers: ClinVar variation 472614 (VCV000472614.14), dbSNP rs763716638, ClinGen allele CA399092609.
Genomic context (GRCh38, chr17:35,119,609, plus strand): 5'-CTCCTGAGAAGCTGGATCATCTCCTCGGTAAGGCCAGGGCACAGTCCGACCCTGAGCACG[C>T]CCATGTTCCCCGCAGGCCGGAACAGCCCCAGGGGGACTGCACGTCACGTGGGCATTCGCG-3'
Protein context (NP_002869.3, residues 1-12): M[Gly2Asp]VLRVGLCPGL